The following is an entry in ClinVar:

ClinVar aggregate classification (germline): Uncertain significance. Review status: criteria provided, multiple submitters, no conflicts (2 of 4 stars). 4 submissions from 4 submitters: Uncertain significance (4). Last evaluated 2025-03-28.

Conditions:
ABCC2-related disorder. Also called: ABCC2-related condition.
Inborn genetic diseases. Identifiers: MedGen C0950123, MeSH D030342.

Allele frequency attached by ClinVar (database versions not stated): gnomAD 0.00001; ExAC 0.00005; TOPMed 0.00003.
gnomAD v4.1: 47 of 1,614,070 alleles (0.0029%); highest among the groups gnomAD compares: South Asian, 0.024%; no homozygotes.

Submissions (4):

Ambry Genetics
Classification: Uncertain significance for Inborn genetic diseases. Last evaluated: 2025-03-28. Review status: criteria provided, single submitter. Criteria: Ambry Variant Classification Scheme 2023. Collection method: clinical testing. Allele origin: germline.

PreventionGenetics, part of Exact Sciences
Classification: Uncertain significance for ABCC2-related condition. Last evaluated: 2022-09-28. Review status: criteria provided, single submitter. Criteria: ACMG Guidelines, 2015. Collection method: clinical testing. Allele origin: germline.
Comment: The ABCC2 c.2732G>A variant is predicted to result in the amino acid substitution p.Arg911Gln. To our knowledge, this variant has not been reported in the literature. This variant is reported in 0.023% of alleles in individuals of South Asian descent in gnomAD. At this time, the clinical significance of this variant is uncertain due to the absence of conclusive functional and genetic evidence.

Mayo Clinic Laboratories, Mayo Clinic
Classification: Uncertain significance. Last evaluated: 2022-09-27. Review status: criteria provided, single submitter. Criteria: ACMG Guidelines, 2015. Collection method: clinical testing. Allele origin: germline. Observed: 1 variant allele.
Comment: BP4

Eurofins Ntd Llc (ga)
Classification: Uncertain significance. Last evaluated: 2017-05-02. Review status: criteria provided, single submitter. Criteria: EGL Classification Definitions 2015. Collection method: clinical testing. Allele origin: germline. Observed: 1 variant allele, 1 heterozygote.

NM_000392.5(ABCC2):c.2732G>A (p.Arg911Gln)

Genes: ABCC2 (ATP binding cassette subfamily C member 2; plus strand), LOC126861012 (BRD4-independent group 4 enhancer GRCh37_chr10:101589748-101590947; plus strand). Cytogenetic location: 10q24.2.
Variant type: single nucleotide variant.
Coding change: c.2732G>A on transcript NM_000392.5 (MANE Select); coding-DNA position 2732, G replaced by A.
Protein change: p.Arg911Gln; replaces arginine 911 with glutamine.
Molecular consequence: missense variant.
Genome position (GRCh38, 1-based): chr10:99,830,418, G>A. VCF-style: chr10-99830418-G-A. GRCh37 (hg19) VCF-style: chr10-101590175-G-A.
Other names: p.Arg911Gln; c.2732G>A, p.Arg911Gln (LRG_1208t1); c.2732G>A (NM_000392.4, NM_000392.3); short protein forms R911Q.
Identifiers: ClinVar variation 501698 (VCV000501698.8), dbSNP rs767142650, ClinGen allele CA5643566.